The following is an entry in ClinVar:

ClinVar aggregate classification (germline): Benign (0 of 4 stars; one submission).

Conditions:
CEP170B-related disorder. Also called: CEP170B-related condition.

Allele frequency attached by ClinVar (database versions not stated): ESP Exome Variant Server 0.00065; gnomAD 0.00120; gnomAD exomes 0.00131; 1000 Genomes Project 30x 0.00203; 1000 Genomes Project 0.00220; ExAC 0.00659.
gnomAD v4.1: 2,145 of 1,581,730 alleles (0.14%); highest among the groups gnomAD compares: South Asian, 1%; 14 homozygotes.

Submission:

PreventionGenetics, part of Exact Sciences
Classification: Benign for CEP170B-related condition. Last evaluated: 2019-07-10. Review status: no assertion criteria provided. Collection method: clinical testing. Allele origin: germline.
Comment: This variant is classified as benign based on ACMG/AMP sequence variant interpretation guidelines (Richards et al. 2015 PMID: 25741868, with internal and published modifications).

NM_001112726.3(CEP170B):c.2139G>A (p.Ala713=)

Gene: CEP170B (centrosomal protein 170B; plus strand). Cytogenetic location: 14q32.33.
Variant type: single nucleotide variant.
Coding change: c.2139G>A on transcript NM_001112726.3 (MANE Select); coding-DNA position 2139, G replaced by A.
Protein change: p.Ala713=; no amino-acid change (alanine 713 retained).
Molecular consequence: synonymous variant.
Genome position (GRCh38, 1-based): chr14:104,886,378, G>A. VCF-style: chr14-104886378-G-A. GRCh37 (hg19) VCF-style: chr14-105352715-G-A.
Other names: c.1929G>A, p.Ala643= (NM_015005.3).
Identifiers: ClinVar variation 3042749 (VCV003042749.2), dbSNP rs62641736, ClinGen allele CA7375784.